The following is an entry in ClinVar:

ClinVar aggregate classification (germline): Likely benign (1 of 4 stars; one submission).

Submission:

Molecular Diagnostic Laboratory for Inherited Cardiovascular Disease, Montreal Heart Institute
Classification: Likely benign. Last evaluated: 2025-04-09. Review status: criteria provided, single submitter. Criteria: ACMG Guidelines, 2015. Collection method: clinical testing. Allele origin: germline. Affected: no.
Comment: BP7

NM_001267550.2(TTN):c.53817T>C (p.Ala17939=)

Genes: TTN (titin; minus strand), TTN-AS1 (TTN antisense RNA 1; plus strand). Cytogenetic location: 2q31.2.
Variant type: single nucleotide variant.
Coding change: c.53817T>C on transcript NM_001267550.2 (MANE Select); coding-DNA position 53817, T replaced by C.
Protein change: p.Ala17939=; no amino-acid change (alanine 17939 retained).
Molecular consequence: synonymous variant.
Genome position (GRCh38, 1-based): chr2:178,605,478, A>G on the plus strand (T>C on the coding strand, the complement: TTN is on the minus strand). VCF-style: chr2-178605478-A-G. GRCh37 (hg19) VCF-style: chr2-179470205-A-G.
Other names: c.48894T>C, p.Ala16298= (NM_001256850.1); c.26622T>C, p.Ala8874= (NM_003319.4); c.46113T>C, p.Ala15371= (NM_133378.4); c.26997T>C, p.Ala8999= (NM_133432.3); c.27198T>C, p.Ala9066= (NM_133437.4).
Identifiers: ClinVar variation 3895264 (VCV003895264.1).